The following is an entry in ClinVar:

NM_000038.6(APC):c.6596T>C (p.Ile2199Thr)

Gene: APC (APC regulator of Wnt signaling pathway; plus strand). Cytogenetic location: 5q22.2.
Variant type: single nucleotide variant.
Coding change: c.6596T>C on transcript NM_000038.6 (MANE Select); coding-DNA position 6596, T replaced by C.
Protein change: p.Ile2199Thr; replaces isoleucine 2199 with threonine.
Molecular consequence: missense variant. On other transcripts: non-coding transcript variant (2).
Genome position (GRCh38, 1-based): chr5:112,842,190, T>C. VCF-style: chr5-112842190-T-C. GRCh37 (hg19) VCF-style: chr5-112177887-T-C.
Other names: c.6596T>C, p.Ile2199Thr (NM_001127510.3, NM_001354895.2, NM_001407450.1); c.6542T>C, p.Ile2181Thr (NM_001127511.3); c.6650T>C, p.Ile2217Thr (NM_001354896.2, NM_001407447.1, NM_001407448.1 and 1 more transcripts); c.6626T>C, p.Ile2209Thr (NM_001354897.2); c.6521T>C, p.Ile2174Thr (NM_001354898.2); c.6512T>C, p.Ile2171Thr (NM_001354899.2); c.6473T>C, p.Ile2158Thr (NM_001354900.2); c.6419T>C, p.Ile2140Thr (NM_001354901.2, NM_001407453.1); and 12 more; short protein forms I2070T, I2140T, I2158T, I2181T, I1916T, I2174T, I2189T, I2209T.
Identifiers: ClinVar variation 2697555 (VCV002697555.4), dbSNP rs2149968512, ClinGen allele CA16035766.

ClinVar aggregate classification (germline): Uncertain significance. Review status: criteria provided, multiple submitters, no conflicts (2 of 4 stars). 2 submissions from 2 submitters: Uncertain significance (2). Last evaluated 2025-02-20.

Conditions:
Hereditary cancer-predisposing syndrome. Also called: Neoplastic Syndromes, Hereditary; Tumor predisposition; Hereditary neoplastic syndrome; Hereditary Cancer Syndrome. Identifiers: Orphanet 140162, MedGen C0027672, MeSH D009386, MONDO:0015356.
Familial adenomatous polyposis 1 (FAP1). Also called: FAMILIAL ADENOMATOUS POLYPOSIS 1, ATTENUATED; POLYPOSIS, ADENOMATOUS INTESTINAL. Identifiers: MedGen C2713442, MONDO:0021056, OMIM 175100. Disease mechanism: loss of function.

Submissions (2):

Ambry Genetics
Classification: Uncertain significance for Hereditary cancer-predisposing syndrome. Last evaluated: 2025-02-20. Review status: criteria provided, single submitter. Criteria: Ambry Variant Classification Scheme 2023. Collection method: clinical testing. Allele origin: germline.
Comment: The p.I2199T variant (also known as c.6596T>C), located in coding exon 15 of the APC gene, results from a T to C substitution at nucleotide position 6596. The isoleucine at codon 2199 is replaced by threonine, an amino acid with similar properties. This amino acid position is conserved. In addition, in silico predictors for this gene do not accurately predict pathogenicity. Based on the available evidence, the clinical significance of this variant remains unclear.

Labcorp Genetics (formerly Invitae), Labcorp
Classification: Uncertain significance for Familial adenomatous polyposis 1. Last evaluated: 2024-11-25. Review status: criteria provided, single submitter. Criteria: Invitae Variant Classification Sherloc (09022015). Collection method: clinical testing. Allele origin: germline.
Comment: This sequence change replaces isoleucine, which is neutral and non-polar, with threonine, which is neutral and polar, at codon 2199 of the APC protein (p.Ile2199Thr). This variant is not present in population databases (gnomAD no frequency). This variant has not been reported in the literature in individuals affected with APC-related conditions. ClinVar contains an entry for this variant (Variation ID: 2697555). Invitae Evidence Modeling of protein sequence and biophysical properties (such as structural, functional, and spatial information, amino acid conservation, physicochemical variation, residue mobility, and thermodynamic stability) indicates that this missense variant is not expected to disrupt APC protein function with a negative predictive value of 95%. In summary, the available evidence is currently insufficient to determine the role of this variant in disease. Therefore, it has been classified as a Variant of Uncertain Significance.